The following is an entry in ClinVar:

ClinVar aggregate classification (germline): Uncertain significance (1 of 4 stars; one submission).

Submission:

GeneDx
Classification: Uncertain significance. Last evaluated: 2026-03-06. Review status: criteria provided, single submitter. Criteria: GeneDx Variant Classification Process June 2021. Collection method: clinical testing. Allele origin: germline.
Comment: Not observed at significant frequency in large population cohorts (gnomAD); In silico analysis suggests that this missense variant does not alter protein structure/function; Has not been previously published as pathogenic or benign to our knowledge

NM_006939.4(SOS2):c.3413A>G (p.Lys1138Arg)

Gene: SOS2 (SOS Ras/Rho guanine nucleotide exchange factor 2; minus strand). Cytogenetic location: 14q21.3.
Variant type: single nucleotide variant.
Coding change: c.3413A>G on transcript NM_006939.4 (MANE Select); coding-DNA position 3413, A replaced by G.
Protein change: p.Lys1138Arg; replaces lysine 1138 with arginine.
Molecular consequence: missense variant.
Genome position (GRCh38, 1-based): chr14:50,120,351, T>C on the plus strand (A>G on the coding strand, the complement: SOS2 is on the minus strand). VCF-style: chr14-50120351-T-C. GRCh37 (hg19) VCF-style: chr14-50587069-T-C.
Other names: c.3314A>G, p.Lys1105Arg (NM_001411020.1); short protein forms K1105R, K1138R.
Identifiers: ClinVar variation 5007960 (VCV005007960.1).
Genomic context (GRCh38, chr14:50,120,351, plus strand): 5'-TCATGATCAAACTTTTTTCGAGGAGGAAGAGGAGGAGGAATCAGGGGCTCTTCACTTAGT[T>C]TATGTAAACTACCACATGAACTAAAGAAAGACTCTGGGGGAGAAAAAGACTAGTTTAACC-3'
Protein context (NP_008870.2, residues 1128-1148): SFFSSCGSLH[Lys1138Arg]LSEEPLIPPP